The following is an entry in ClinVar:

ClinVar aggregate classification (germline): Uncertain significance (1 of 4 stars; one submission).

Conditions:
MED13-related disorder. Also called: MED13-related condition.

Allele frequency attached by ClinVar (database versions not stated): gnomAD exomes below 0.00001; ExAC 0.00001.
gnomAD v4.1: 1 of 1,600,240 alleles (0.000062%); highest among the groups gnomAD compares: South Asian, 0.0011%; no homozygotes.

Submission:

PreventionGenetics, part of Exact Sciences
Classification: Uncertain significance for MED13-related condition. Last evaluated: 2025-12-31. Review status: criteria provided, single submitter. Criteria: ACMG Guidelines, 2015. Collection method: clinical testing. Allele origin: germline.
Comment: The MED13 c.5470G>A variant is predicted to result in the amino acid substitution p.Val1824Ile. To our knowledge, this variant has not been reported in the literature. This variant is reported in 0.0033% of alleles in individuals of South Asian descent in gnomAD. At this time, the clinical significance of this variant is uncertain due to the absence of conclusive functional and genetic evidence.

NM_005121.3(MED13):c.5470G>A (p.Val1824Ile)

Gene: MED13 (mediator complex subunit 13; minus strand). Cytogenetic location: 17q23.2.
Variant type: single nucleotide variant.
Coding change: c.5470G>A on transcript NM_005121.3 (MANE Select); coding-DNA position 5470, G replaced by A.
Protein change: p.Val1824Ile; replaces valine 1824 with isoleucine.
Molecular consequence: missense variant.
Genome position (GRCh38, 1-based): chr17:61,960,877, C>T on the plus strand (G>A on the coding strand, the complement: MED13 is on the minus strand). VCF-style: chr17-61960877-C-T. GRCh37 (hg19) VCF-style: chr17-60038238-C-T.
Other names: short protein forms V1824I.
Identifiers: ClinVar variation 2630245 (VCV002630245.2), dbSNP rs769104466, ClinGen allele CA8692163.